The following is an entry in ClinVar:

ClinVar aggregate classification (germline): Uncertain significance (1 of 4 stars; one submission).

Conditions:
Nephronophthisis. Also called: Juvenile Nephronophthisis. Identifiers: Orphanet 655, MedGen C0687120, MONDO:0019005, HP:0000090.

Submission:

Labcorp Genetics (formerly Invitae), Labcorp
Classification: Uncertain significance for Nephronophthisis. Last evaluated: 2020-08-26. Review status: criteria provided, single submitter. Criteria: Invitae Variant Classification Sherloc (09022015). Collection method: clinical testing. Allele origin: germline.
Comment: This sequence change replaces histidine with leucine at codon 1171 of the NPHP4 protein (p.His1171Leu). The histidine residue is moderately conserved and there is a moderate physicochemical difference between histidine and leucine. This variant is not present in population databases (ExAC no frequency). This variant has not been reported in the literature in individuals with NPHP4-related conditions. Algorithms developed to predict the effect of missense changes on protein structure and function are either unavailable or do not agree on the potential impact of this missense change (SIFT: "Tolerated"; PolyPhen-2: "Possibly Damaging"; Align-GVGD: "Class C0"). In summary, the available evidence is currently insufficient to determine the role of this variant in disease. Therefore, it has been classified as a Variant of Uncertain Significance.

NM_015102.5(NPHP4):c.3512A>T (p.His1171Leu)

Gene: NPHP4 (nephrocystin 4; minus strand). Cytogenetic location: 1p36.31.
Variant type: single nucleotide variant.
Coding change: c.3512A>T on transcript NM_015102.5 (MANE Select); coding-DNA position 3512, A replaced by T.
Protein change: p.His1171Leu; replaces histidine 1171 with leucine.
Molecular consequence: missense variant. On other transcripts: non-coding transcript variant (1).
Genome position (GRCh38, 1-based): chr1:5,867,076, T>A on the plus strand (A>T on the coding strand, the complement: NPHP4 is on the minus strand). VCF-style: chr1-5867076-T-A. GRCh37 (hg19) VCF-style: chr1-5927136-T-A.
Other names: c.1973A>T, p.His658Leu (NM_001291593.2); c.1976A>T, p.His659Leu (NM_001291594.2); short protein forms H1171L, H658L, H659L.
Identifiers: ClinVar variation 1057812 (VCV001057812.9), dbSNP rs1036719782, ClinGen allele CA338051204.